The following is an entry in ClinVar:

NM_006180.6(NTRK2):c.1741_1759del (p.Gln580_Asp581insTer)

Gene: NTRK2 (neurotrophic receptor tyrosine kinase 2; plus strand). Cytogenetic location: 9q21.33.
Variant type: Deletion.
Coding change: c.1741_1759del on transcript NM_006180.6 (MANE Select); coding-DNA positions 1741 to 1759, 19 bases deleted (GACAAGATCTTGGTGGCAG).
Protein change: p.Gln580_Asp581insTer.
Molecular consequence: nonsense.
Genome position (GRCh38, 1-based): chr9:84,934,269-84,934,287, GACAAGATCTTGGTGGCAG deleted; deleting any 19 consecutive bases within chr9:84,934,265-84,934,287 gives the same sequence; the c. name uses the placement nearest the transcript's 3' end. VCF-style (leftmost placement, unchanged base first): chr9-84934264-AGCAGGACAAGATCTTGGTG-A. GRCh37 (hg19) VCF-style: chr9-87549179-AGCAGGACAAGATCTTGGTG-A.
Other names: c.1693_1711del, p.Gln564_Asp565insTer (NM_001018064.3, NM_001369532.1, NM_001369533.1); c.1657_1675del, p.Gln552_Asp553insTer (NM_001369534.1); c.1225_1243del, p.Gln408_Asp409insTer (NM_001369535.1); c.1273_1291del, p.Gln424_Asp425insTer (NM_001369536.1).
Identifiers: ClinVar variation 4993700 (VCV004993700.1).

ClinVar aggregate classification (germline): Uncertain significance (1 of 4 stars; one submission).

Conditions:
NTRK2-related disorder. Also called: NTRK2-related condition.

Submission:

PreventionGenetics, part of Exact Sciences
Classification: Uncertain significance for NTRK2-related condition. Last evaluated: 2025-11-24. Review status: criteria provided, single submitter. Criteria: ACMG Guidelines, 2015. Collection method: clinical testing. Allele origin: germline.
Comment: The NTRK2 c.1741_1759del19 variant is predicted to result in premature protein termination (p.Asp581*). To our knowledge, this variant has not been reported in the literature or in a large population database (gnomAD), indicating this variant is rare. At this time, the clinical significance of this variant is uncertain due to the absence of conclusive functional and genetic evidence.